The following is an entry in ClinVar:

ClinVar aggregate classification (germline): Uncertain significance (1 of 4 stars; one submission).

Conditions:
Hereditary cancer-predisposing syndrome. Also called: Neoplastic Syndromes, Hereditary; Tumor predisposition; Hereditary Cancer Syndrome; Hereditary neoplastic syndrome. Identifiers: Orphanet 140162, MedGen C0027672, MeSH D009386, MONDO:0015356.

Submission:

Ambry Genetics
Classification: Uncertain significance for Hereditary cancer-predisposing syndrome. Last evaluated: 2026-01-27. Review status: criteria provided, single submitter. Criteria: Ambry Variant Classification Scheme 2023. Collection method: clinical testing. Allele origin: germline.
Comment: The p.M1338L variant (also known as c.4012A>T), located in coding exon 28 of the SMARCA4 gene, results from an A to T substitution at nucleotide position 4012. The methionine at codon 1338 is replaced by leucine, an amino acid with highly similar properties. This amino acid position is highly conserved in available vertebrate species. In addition, the in silico prediction for this alteration is inconclusive. Based on the available evidence, the clinical significance of this variant remains unclear.

NM_003072.5(SMARCA4):c.4012A>T (p.Met1338Leu)

Gene: SMARCA4 (SWI/SNF related BAF chromatin remodeling complex subunit ATPase 4; plus strand). Cytogenetic location: 19p13.2.
Variant type: single nucleotide variant.
Coding change: c.4012A>T on transcript NM_003072.5 (MANE Select); coding-DNA position 4012, A replaced by T.
Protein change: p.Met1338Leu; replaces methionine 1338 with leucine.
Molecular consequence: missense variant. On other transcripts: non-coding transcript variant (1).
Genome position (GRCh38, 1-based): chr19:11,034,974, A>T. VCF-style: chr19-11034974-A-T. GRCh37 (hg19) VCF-style: chr19-11145650-A-T.
Other names: c.4012A>T, p.Met1338Leu (NM_001128844.3, NM_001128849.3, NM_001387283.1); c.3913A>T, p.Met1305Leu (NM_001128845.2, NM_001128846.2, NM_001128847.4 and 3 more transcripts); short protein forms M1338L, M1305L.
Identifiers: ClinVar variation 4825116 (VCV004825116.1).